The following is an entry in ClinVar:

ClinVar aggregate classification (germline): Pathogenic. Review status: criteria provided, single submitter (1 of 4 stars). 2 submissions from 2 submitters: Pathogenic (1). 1 of the submissions does not count toward it. Last evaluated 2022-05-04.

Conditions:
Seizures, benign familial infantile, 3 (BFIS3). Also called: CONVULSIONS, BENIGN FAMILIAL INFANTILE, 3; Familial neonatal seizures. Identifiers: Orphanet 140927, Orphanet 306, MedGen C1843140, MONDO:0011904, OMIM 607745.
SCN2A-related disorder. Also called: SCN2A-related condition; SCN2A-related disorders. Identifiers: MedGen CN382226, MONDO:1060245.

Submissions (2):

Mendelics
Classification: Pathogenic for Seizures, benign familial infantile, 3. Last evaluated: 2022-05-04. Review status: criteria provided, single submitter. Criteria: Mendelics Assertion Criteria 2019. Collection method: clinical testing. Allele origin: germline.

PreventionGenetics, part of Exact Sciences
Classification: Pathogenic for SCN2A-related condition. Last evaluated: 2024-05-10. Review status: no assertion criteria provided. Collection method: clinical testing. Allele origin: germline. Not counted in ClinVar's aggregate classification.
Comment: The SCN2A c.3997G>T variant is predicted to result in the amino acid substitution p.Ala1333Ser. To our knowledge, this variant has not been reported in the literature or in a large population database, indicating this variant is rare; however, a different missense variant impacting the same amino acid residue was reported as de novo in a patient with early-onset epileptic encephalopathy (c.3997G>A, p.Ala1333Thr, Table 2. Olson et al. 2017. PubMed ID: 28133863). Many other de novo missense variants in SCN2A have previously been reported to be pathogenic for SCN2A-related disorders (HGMD, ClinVar). This variant is interpreted as pathogenic.

NM_001040142.2(SCN2A):c.3997G>T (p.Ala1333Ser)

Gene: SCN2A (sodium voltage-gated channel alpha subunit 2; plus strand). Cytogenetic location: 2q24.3.
Variant type: single nucleotide variant.
Coding change: c.3997G>T on transcript NM_001040142.2 (MANE Select); coding-DNA position 3997, G replaced by T.
Protein change: p.Ala1333Ser; replaces alanine 1333 with serine.
Molecular consequence: missense variant.
Genome position (GRCh38, 1-based): chr2:165,374,709, G>T. VCF-style: chr2-165374709-G-T. GRCh37 (hg19) VCF-style: chr2-166231219-G-T.
Other names: c.3997G>T, p.Ala1333Ser (NM_001040143.2, NM_001371246.1, NM_001371247.1 and 1 more transcripts); c.3997G>T (NM_021007.2); short protein forms A1333S.
Identifiers: ClinVar variation 1686165 (VCV001686165.2), dbSNP rs796053132, ClinGen allele CA349030241.